The following is an entry in ClinVar:

NM_001042432.2(CLN3):c.816_817del (p.Glu273fs)

Gene: CLN3 (CLN3 lysosomal/endosomal transmembrane protein, battenin; minus strand). Cytogenetic location: 16p12.1.
Variant type: Deletion.
Coding change: c.816_817del on transcript NM_001042432.2 (MANE Select); coding-DNA positions 816 to 817, 2 bases deleted (GG; older notation c.816_817delGG).
Protein change: p.Glu273fs; shifts the reading frame from glutamic acid 273.
Molecular consequence: frameshift variant.
Genome position (GRCh38, 1-based): chr16:28,482,646-28,482,647, CC deleted on the plus strand (GG on the coding strand, the reverse complement: CLN3 is on the minus strand); deleting any 2 consecutive bases within chr16:28,482,646-28,482,648 gives the same sequence; the c. name uses the placement nearest the transcript's 3' end. VCF-style (leftmost placement, unchanged base first): chr16-28482645-TCC-T. GRCh37 (hg19) VCF-style: chr16-28493966-TCC-T.
Other names: c.816_817delGG (NM_001042432.1); c.816_817del, p.Glu273fs (NM_000086.2); c.744_745del, p.Glu249fs (NM_001286104.2); c.516_517del, p.Glu173fs (NM_001286105.2); c.582_583del, p.Glu195fs (NM_001286109.2); c.654_655del, p.Glu219fs (NM_001286110.2); c.816_817del (NM_001042432.1); short protein forms E195fs, E249fs, E273fs, E173fs, E219fs.
Identifiers: ClinVar variation 280317 (VCV000280317.6), dbSNP rs886041546, ClinGen allele CA10603261.
Genomic context (GRCh38, chr16:28,482,645, plus strand): 5'-GAGCAAGCCCCACAGGGACATACCCCAGCCATCATCCGAACCTTGAACACTGTCCACCTT[TCC>T]CGAAGGGAGAGGCTGGAGCTGGAGCCTGCAGGGGAACAGAGAGAGAAGGGCAGATGAAGT-3'

ClinVar aggregate classification (germline): Pathogenic/Likely pathogenic. Review status: criteria provided, multiple submitters, no conflicts (2 of 4 stars). 4 submissions from 4 submitters: Pathogenic (3); Likely pathogenic (1). Last evaluated 2025-09-02.

Conditions:
Neuronal ceroid lipofuscinosis 3 (CLN3). Identifiers: Orphanet 228346, MedGen C0751383, MONDO:0008767, OMIM 204200.

Submissions (4):

Myriad Genetics, Inc.
Classification: Pathogenic for Neuronal ceroid lipofuscinosis 3. Last evaluated: 2025-09-02. Review status: criteria provided, single submitter. Criteria: Myriad Autosomal Dominant, Autosomal Recessive and X-Linked Classification Criteria (2023). Collection method: clinical testing. Allele origin: unknown.
Comment: NM_001042432.1(CLN3):c.816_817delGG(E273Kfs*26) is expected to be pathogenic in the context of CLN3-related disorders. This variant is predicted to lead to an abnormal or absent protein product due to the creation of a premature termination codon in CLN3, a gene where loss-of-function variants are known to be pathogenic. Please note: this variant was assessed in the context of healthy population screening.

Revvity Omics, Revvity
Classification: Likely pathogenic for Neuronal ceroid lipofuscinosis 3. Last evaluated: 2024-12-16. Review status: criteria provided, single submitter. Criteria: ACMG Guidelines, 2015. Collection method: clinical testing. Allele origin: germline.

Genome-Nilou Lab
Classification: Pathogenic for Neuronal ceroid lipofuscinosis 3. Last evaluated: 2021-08-10. Review status: criteria provided, single submitter. Criteria: ACMG Guidelines, 2015. Collection method: clinical testing. Allele origin: germline. Affected: no.

GeneDx
Classification: Pathogenic. Last evaluated: 2016-02-11. Review status: criteria provided, single submitter. Criteria: GeneDx Variant Classification (06012015). Collection method: clinical testing. Allele origin: germline. Affected: yes.
Comment: The c.816_817delGG pathogenic variant in the CLN3 gene causes a frameshift starting with codonGlutamic acid 273, changes this amino acid to a Lysine residue and creates a premature Stop codonat position 26 of the new reading frame, denoted p.Glu273LysfsX26. This pathogenic variant ispredicted to cause loss of normal protein function either through protein truncation or nonsense-mediatedmRNA decay.